The following is an entry in ClinVar:

ClinVar aggregate classification (germline): Uncertain significance (1 of 4 stars; one submission).

Conditions:
Autosomal dominant childhood-onset proximal spinal muscular atrophy with contractures (SMALED2A). Also called: Spinal muscular atrophy, lower extremity-predominant, 2A, autosomal dominant; SPINAL MUSCULAR ATROPHY, LOWER EXTREMITY-PREDOMINANT, 2A, CHILDHOOD ONSET, AUTOSOMAL DOMINANT. Identifiers: Orphanet 363447, Orphanet 363454, MedGen C4747715, MONDO:0014121, OMIM 615290.

Allele frequency attached by ClinVar (database versions not stated): TOPMed below 0.00001.

Submission:

Labcorp Genetics (formerly Invitae), Labcorp
Classification: Uncertain significance for Autosomal dominant childhood-onset proximal spinal muscular atrophy with contractures. Last evaluated: 2019-05-27. Review status: criteria provided, single submitter. Criteria: Invitae Variant Classification Sherloc (09022015). Collection method: clinical testing. Allele origin: germline.
Comment: This sequence change replaces threonine with serine at codon 219 of the BICD2 protein (p.Thr219Ser). The threonine residue is moderately conserved and there is a small physicochemical difference between threonine and serine. This variant is not present in population databases (ExAC no frequency). This variant has not been reported in the literature in individuals with BICD2-related conditions. Algorithms developed to predict the effect of missense changes on protein structure and function (SIFT, PolyPhen-2, Align-GVGD) all suggest that this variant is likely to be tolerated, but these predictions have not been confirmed by published functional studies and their clinical significance is uncertain. In summary, the available evidence is currently insufficient to determine the role of this variant in disease. Therefore, it has been classified as a Variant of Uncertain Significance.

NM_001003800.2(BICD2):c.656C>G (p.Thr219Ser)

Gene: BICD2 (BICD cargo adaptor 2; minus strand). Cytogenetic location: 9q22.31.
Variant type: single nucleotide variant.
Coding change: c.656C>G on transcript NM_001003800.2 (MANE Select); coding-DNA position 656, C replaced by G.
Protein change: p.Thr219Ser; replaces threonine 219 with serine.
Molecular consequence: missense variant.
Genome position (GRCh38, 1-based): chr9:92,720,706, G>C on the plus strand (C>G on the coding strand, the complement: BICD2 is on the minus strand). VCF-style: chr9-92720706-G-C. GRCh37 (hg19) VCF-style: chr9-95482988-G-C.
Other names: c.656C>G, p.Thr219Ser (NM_015250.4); short protein forms T219S.
Identifiers: ClinVar variation 948172 (VCV000948172.10), dbSNP rs370390769, ClinGen allele CA374044271.